The following is an entry in ClinVar:

ClinVar aggregate classification (germline): Uncertain significance. Review status: criteria provided, single submitter (1 of 4 stars). 2 submissions from 2 submitters: Uncertain significance (1). 1 of the submissions does not count toward it. Last evaluated 2022-10-13.

Conditions:
Leber congenital amaurosis 15 (LCA15). Identifiers: Orphanet 65, MedGen C3151206, MONDO:0013457, OMIM 613843.

Allele frequency attached by ClinVar (database versions not stated): gnomAD exomes below 0.00001.
gnomAD v4.1: 2 of 1,612,818 alleles (0.00012%); highest among the groups gnomAD compares: Middle Eastern, 0.017%; no homozygotes.

Submissions (2):

Labcorp Genetics (formerly Invitae), Labcorp
Classification: Uncertain significance. Last evaluated: 2022-10-13. Review status: criteria provided, single submitter. Criteria: Invitae Variant Classification Sherloc (09022015). Collection method: clinical testing. Allele origin: germline.
Comment: This variant is not present in population databases (gnomAD no frequency). This sequence change replaces lysine, which is basic and polar, with glutamic acid, which is acidic and polar, at codon 538 of the TULP1 protein (p.Lys538Glu). This missense change has been observed in individual(s) with retinitis pigmentosa (Invitae). In summary, the available evidence is currently insufficient to determine the role of this variant in disease. Therefore, it has been classified as a Variant of Uncertain Significance. Advanced modeling of protein sequence and biophysical properties (such as structural, functional, and spatial information, amino acid conservation, physicochemical variation, residue mobility, and thermodynamic stability) performed at Invitae indicates that this missense variant is expected to disrupt TULP1 protein function. ClinVar contains an entry for this variant (Variation ID: 977979).

Laboratory of Genetics in Ophthalmology, Institut Imagine
Classification: Likely pathogenic for Leber congenital amaurosis 15. Review status: no assertion criteria provided. Collection method: research. Allele origin: inherited. Affected: yes. Observed: 2 variant alleles. Not counted in ClinVar's aggregate classification.

NM_003322.6(TULP1):c.1612A>G (p.Lys538Glu)

Gene: TULP1 (TUB like protein 1; minus strand). Cytogenetic location: 6p21.31.
Variant type: single nucleotide variant.
Coding change: c.1612A>G on transcript NM_003322.6 (MANE Select); coding-DNA position 1612, A replaced by G.
Protein change: p.Lys538Glu; replaces lysine 538 with glutamic acid.
Molecular consequence: missense variant.
Genome position (GRCh38, 1-based): chr6:35,498,344, T>C on the plus strand (A>G on the coding strand, the complement: TULP1 is on the minus strand). VCF-style: chr6-35498344-T-C. GRCh37 (hg19) VCF-style: chr6-35466121-T-C.
Other names: c.1453A>G, p.Lys485Glu (NM_001289395.2); short protein forms K485E, K538E.
Identifiers: ClinVar variation 977979 (VCV000977979.9), dbSNP rs1768748235, ClinGen allele CA363778158.